The following is an entry in ClinVar:

NC_000006.11:g.(?_73331918)_(73905137_?)del

Gene: KCNQ5 (potassium voltage-gated channel subfamily Q member 5; plus strand). Cytogenetic location: 6q13.
Variant type: Deletion.
Identifiers: ClinVar variation 3246150 (VCV003246150.1).

ClinVar aggregate classification (germline): Pathogenic (1 of 4 stars; one submission).

Submission:

Labcorp Genetics (formerly Invitae), Labcorp
Classification: Pathogenic. Last evaluated: 2023-09-19. Review status: criteria provided, single submitter. Criteria: Invitae Variant Classification Sherloc (09022015). Collection method: clinical testing. Allele origin: unknown.
Comment: For these reasons, this variant has been classified as Pathogenic. This variant has not been reported in the literature in individuals affected with KCNQ5-related conditions. A gross deletion of the genomic region encompassing the full coding sequence of the KCNQ5 gene has been identified. Loss-of-function variants in KCNQ5 are known to be pathogenic (PMID: 28669405, 35583973, 36088682). The boundaries of this event are unknown as they extend beyond the assayed region for this gene and therefore may encompass additional genes.

Literature cited by the submitters: PubMed 28669405; PubMed 35583973; PubMed 36088682.